The following is an entry in ClinVar:

ClinVar aggregate classification (germline): Uncertain significance (1 of 4 stars; one submission).

Submission:

Labcorp Genetics (formerly Invitae), Labcorp
Classification: Uncertain significance. Last evaluated: 2025-12-01. Review status: criteria provided, single submitter. Criteria: Invitae Variant Classification Sherloc (09022015). Collection method: clinical testing. Allele origin: germline.
Comment: This sequence change replaces glutamic acid, which is acidic and polar, with glutamine, which is neutral and polar, at codon 1515 of the CACNA1D protein (p.Glu1515Gln). This variant is not present in population databases (gnomAD no frequency). This variant has not been reported in the literature in individuals affected with CACNA1D-related conditions. Invitae Evidence Modeling of protein sequence and biophysical properties (such as structural, functional, and spatial information, amino acid conservation, physicochemical variation, residue mobility, and thermodynamic stability) indicates that this missense variant is not expected to disrupt CACNA1D protein function with a negative predictive value of 80%. In summary, the available evidence is currently insufficient to determine the role of this variant in disease. Therefore, it has been classified as a Variant of Uncertain Significance.

NM_001128840.3(CACNA1D):c.4483G>C (p.Glu1495Gln)

Gene: CACNA1D (calcium voltage-gated channel subunit alpha1 D; plus strand). Cytogenetic location: 3p21.1.
Variant type: single nucleotide variant.
Coding change: c.4483G>C on transcript NM_001128840.3 (MANE Select); coding-DNA position 4483, G replaced by C.
Protein change: p.Glu1495Gln; replaces glutamic acid 1495 with glutamine.
Molecular consequence: missense variant.
Genome position (GRCh38, 1-based): chr3:53,776,723, G>C. VCF-style: chr3-53776723-G-C. GRCh37 (hg19) VCF-style: chr3-53810750-G-C.
Other names: c.4543G>C, p.Glu1515Gln (NM_000720.4); c.4438G>C, p.Glu1480Gln (NM_001128839.3); short protein forms E1480Q, E1515Q, E1495Q.
Identifiers: ClinVar variation 4742197 (VCV004742197.1).